The following is an entry in ClinVar:

ClinVar aggregate classification (germline): Benign/Likely benign. Review status: criteria provided, multiple submitters, no conflicts (2 of 4 stars). 3 submissions from 3 submitters: Benign (1); Likely benign (2). Last evaluated 2025-07-10.

Allele frequency attached by ClinVar (database versions not stated): TOPMed 0.00003; gnomAD 0.00005; gnomAD exomes 0.00006; ExAC 0.00007.
gnomAD v4.1: 70 of 1,184,328 alleles (0.0059%); highest among the groups gnomAD compares: Non-Finnish European, 0.0071%; no homozygotes.

Submissions (3):

Labcorp Genetics (formerly Invitae), Labcorp
Classification: Benign. Last evaluated: 2025-07-10. Review status: criteria provided, single submitter. Criteria: Invitae Variant Classification Sherloc (09022015). Collection method: clinical testing. Allele origin: germline.

Blueprint Genetics
Classification: Likely benign. Last evaluated: 2024-11-07. Review status: criteria provided, single submitter. Criteria: ACMG Guidelines, 2015. Collection method: clinical testing. Allele origin: germline.

GeneDx
Classification: Likely benign. Last evaluated: 2016-06-08. Review status: criteria provided, single submitter. Criteria: GeneDx Variant Classification (06012015). Collection method: clinical testing. Allele origin: germline. Affected: yes.
Comment: This variant is considered likely benign or benign based on one or more of the following criteria: it is a conservative change, it occurs at a poorly conserved position in the protein, it is predicted to be benign by multiple in silico algorithms, and/or has population frequency not consistent with disease.

NM_000444.6(PHEX):c.1461T>C (p.His487=)

Genes: PHEX (phosphate regulating endopeptidase X-linked; plus strand), PHEX-AS1 (PHEX antisense RNA 1; minus strand). Cytogenetic location: Xp22.11.
Variant type: single nucleotide variant.
Coding change: c.1461T>C on transcript NM_000444.6 (MANE Select); coding-DNA position 1461, T replaced by C.
Protein change: p.His487=; no amino-acid change (histidine 487 retained).
Molecular consequence: synonymous variant.
Genome position (GRCh38, 1-based): chrX:22,168,368, T>C. VCF-style: chrX-22168368-T-C. GRCh37 (hg19) VCF-style: chrX-22186485-T-C.
Other names: c.1461T>C, p.His487= (NM_001282754.2).
Identifiers: ClinVar variation 386912 (VCV000386912.9), dbSNP rs765101791, ClinGen allele CA10368257.